The following is an entry in ClinVar:

ClinVar aggregate classification (germline): Uncertain significance. Review status: criteria provided, multiple submitters, no conflicts (2 of 4 stars). 2 submissions from 2 submitters: Uncertain significance (2). Last evaluated 2025-10-07.

gnomAD v4.1: 2 of 1,613,678 alleles (0.00012%); highest among the groups gnomAD compares: African/African-American, 0.0013%; no homozygotes.

Submissions (2):

Ambry Genetics
Classification: Uncertain significance. Last evaluated: 2025-10-07. Review status: criteria provided, single submitter. Criteria: Ambry Variant Classification Scheme 2023. Collection method: clinical testing. Allele origin: germline.

Labcorp Genetics (formerly Invitae), Labcorp
Classification: Uncertain significance. Last evaluated: 2025-07-25. Review status: criteria provided, single submitter. Criteria: Invitae Variant Classification Sherloc (09022015). Collection method: clinical testing. Allele origin: germline.
Comment: This sequence change replaces leucine, which is neutral and non-polar, with methionine, which is neutral and non-polar, at codon 160 of the KLF11 protein (p.Leu160Met). This variant is not present in population databases (gnomAD no frequency). This variant has not been reported in the literature in individuals affected with KLF11-related conditions. An algorithm developed to predict the effect of missense changes on protein structure and function (PolyPhen-2) suggests that this variant is likely to be tolerated. Algorithms developed to predict the effect of sequence changes on RNA splicing suggest that this variant may create or strengthen a splice site. In summary, the available evidence is currently insufficient to determine the role of this variant in disease. Therefore, it has been classified as a Variant of Uncertain Significance.

NM_003597.5(KLF11):c.478T>A (p.Leu160Met)

Gene: KLF11 (KLF transcription factor 11; plus strand). Cytogenetic location: 2p25.1.
Variant type: single nucleotide variant.
Coding change: c.478T>A on transcript NM_003597.5 (MANE Select); coding-DNA position 478, T replaced by A.
Protein change: p.Leu160Met; replaces leucine 160 with methionine.
Molecular consequence: missense variant.
Genome position (GRCh38, 1-based): chr2:10,047,815, T>A. VCF-style: chr2-10047815-T-A. GRCh37 (hg19) VCF-style: chr2-10187942-T-A.
Other names: c.427T>A, p.Leu143Met (NM_001177716.2, NM_001177718.2); short protein forms L143M, L160M.
Identifiers: ClinVar variation 4544234 (VCV004544234.2).
Genomic context (GRCh38, chr2:10,047,815, plus strand): 5'-CAGTCCTCTGCCGTAGTGGCCAGAGCTCTGAGCGGGGGCGCGGAGAGGGGCTTGCTGGGT[T>A]TGGAGCCAGTGCCCAGCTCTCCCTGCAGGGCCAAGGGGACTAGCGTGATCCGACACACTG-3'
Protein context (NP_003588.1, residues 150-170): SGGAERGLLG[Leu160Met]EPVPSSPCRA